The following is an entry in ClinVar:

ClinVar aggregate classification (germline): Conflicting classifications of pathogenicity. Review status: criteria provided, conflicting classifications (1 of 4 stars). 3 submissions from 1 submitter: Uncertain significance (1); Benign (2). Last evaluated 2018-01-13.

Conditions:
Atrial fibrillation, familial, 9 (ATFB9). Identifiers: MedGen C3151431, MONDO:0013513, OMIM 613980.
Andersen Tawil syndrome (LQT7). Also called: Potassium-sensitive periodic paralysis, ventricular ectopy, and dysmorphic features; ANDERSEN CARDIODYSRHYTHMIC PERIODIC PARALYSIS; LONG QT SYNDROME 7; PERIODIC PARALYSIS, POTASSIUM-SENSITIVE CARDIODYSRHYTHMIC TYPE; Andersen Syndrome. Identifiers: Orphanet 37553, MedGen C1563715, MONDO:0008222, OMIM 170390.
Short QT syndrome type 3. Identifiers: Orphanet 51083, MedGen C1865018, MONDO:0012314, OMIM 609622.

Allele frequency attached by ClinVar (database versions not stated): gnomAD 0.00129 and 0.00140; 1000 Genomes Project 30x 0.00156; TOPMed 0.00177; 1000 Genomes Project 0.00180.

Submissions (3):

Illumina Laboratory Services, Illumina
Classification: Uncertain significance for Atrial fibrillation, familial, 9. Last evaluated: 2018-01-13. Review status: criteria provided, single submitter. Criteria: ICSL Variant Classification Criteria 13 December 2019. Collection method: clinical testing. Allele origin: germline.

Illumina Laboratory Services, Illumina
Classification: Benign for Andersen Tawil syndrome. Last evaluated: 2018-01-13. Review status: criteria provided, single submitter. Criteria: ICSL Variant Classification Criteria 13 December 2019. Collection method: clinical testing. Allele origin: germline.
Comment: This variant was observed in the ICSL laboratory as part of a predisposition screen in an ostensibly healthy population. It had not been previously curated by ICSL or reported in the Human Gene Mutation Database (HGMD: prior to June 1st, 2018), and was therefore a candidate for classification through an automated scoring system. Utilizing variant allele frequency, disease prevalence and penetrance estimates, and inheritance mode, an automated score was calculated to assess if this variant is too frequent to cause the disease. Based on the score and internal cut-off values, a variant classified as benign is not then subjected to further curation. The score for this variant resulted in a classification of benign for this disease.

Illumina Laboratory Services, Illumina
Classification: Benign for Short QT syndrome type 3. Last evaluated: 2018-01-13. Review status: criteria provided, single submitter. Criteria: ICSL Variant Classification Criteria 13 December 2019. Collection method: clinical testing. Allele origin: germline.
Comment: the same text as in the submission from Illumina Laboratory Services, Illumina above.

NM_000891.3(KCNJ2):c.-314T>C

Gene: KCNJ2 (potassium inwardly rectifying channel subfamily J member 2; plus strand). Cytogenetic location: 17q24.3.
Variant type: single nucleotide variant.
Coding change: c.-314T>C on transcript NM_000891.3 (MANE Select); 314 bases upstream of the start codon, T replaced by C.
Molecular consequence: 5 prime UTR variant.
Genome position (GRCh38, 1-based): chr17:70,169,604, T>C. VCF-style: chr17-70169604-T-C. GRCh37 (hg19) VCF-style: chr17-68165745-T-C.
Identifiers: ClinVar variation 324823 (VCV000324823.5), dbSNP rs566186294, ClinGen allele CA10640372.